The following is an entry in ClinVar:

NM_000081.4(LYST):c.1686G>C (p.Gln562His)

Gene: LYST (lysosomal trafficking regulator; minus strand). Cytogenetic location: 1q42.3.
Variant type: single nucleotide variant.
Coding change: c.1686G>C on transcript NM_000081.4 (MANE Select); coding-DNA position 1686, G replaced by C.
Protein change: p.Gln562His; replaces glutamine 562 with histidine.
Molecular consequence: missense variant.
Genome position (GRCh38, 1-based): chr1:235,809,132, C>G on the plus strand (G>C on the coding strand, the complement: LYST is on the minus strand). VCF-style: chr1-235809132-C-G. GRCh37 (hg19) VCF-style: chr1-235972432-C-G.
Other names: p.Gln562His; c.1686G>C, p.Gln562His (NM_001301365.1); short protein forms Q562H.
Identifiers: ClinVar variation 254913 (VCV000254913.66), dbSNP rs77091385, ClinGen allele CA1467420.
Genomic context (GRCh38, chr1:235,809,132, plus strand): 5'-TATTCCAATGTTATGAACACCCGATAGGATCTGGACACAAGTGCTGCTCAAGGAAGCCTG[C>G]TGTAGTAAGCGCAAGCACTGATGGGCACACACTGCAATGCAACAGCACCGCTCAGGATAA-3'
Protein context (NP_000072.2, residues 552-572): VCAHQCLRLL[Gln562His]QASLSSTCVQ

ClinVar aggregate classification (germline): Conflicting classifications of pathogenicity. Review status: criteria provided, conflicting classifications (1 of 4 stars). 10 submissions from 10 submitters: Uncertain significance (1); Benign (1); Likely benign (8). Last evaluated 2026-09-01.

Conditions:
Autoinflammatory syndrome. Identifiers: Orphanet 93665, MedGen C3890737, MONDO:0019751.
Chédiak-Higashi syndrome (CHS). Also called: Chediak-Higashi Syndrome. Identifiers: Orphanet 167, MedGen C0007965, MONDO:0008963, OMIM 214500.

Allele frequency attached by ClinVar (database versions not stated): 1000 Genomes Project 0.00120; 1000 Genomes Project 30x 0.00141; ESP Exome Variant Server 0.00346; TOPMed 0.00367; gnomAD 0.00380 and 0.00394.
gnomAD v4.1: 9,217 of 1,614,118 alleles (0.57%); highest among the groups gnomAD compares: Non-Finnish European, 0.7%; 35 homozygotes.

Submissions (10):

CeGaT Center for Human Genetics Tuebingen
Classification: Likely benign. Last evaluated: 2026-09-01. Review status: criteria provided, single submitter. Criteria: CeGaT Center For Human Genetics Tuebingen Variant Classification Criteria Version 2. Collection method: clinical testing. Allele origin: germline. Affected: yes. Observed: 9 variant alleles.
Comment: LYST: BP4, BS2

Labcorp Genetics (formerly Invitae), Labcorp
Classification: Likely benign for Chédiak-Higashi syndrome. Last evaluated: 2026-02-04. Review status: criteria provided, single submitter. Criteria: Invitae Variant Classification Sherloc (09022015). Collection method: clinical testing. Allele origin: germline.

Mayo Clinic Laboratories, Mayo Clinic
Classification: Likely benign. Last evaluated: 2025-10-01. Review status: criteria provided, single submitter. Criteria: ACMG Guidelines, 2015. Collection method: clinical testing. Allele origin: germline. Observed: 27 variant alleles.
Comment: BS1, BS2, BP4, PM1_supporting

Blueprint Genetics
Classification: Likely benign. Last evaluated: 2024-11-26. Review status: criteria provided, single submitter. Criteria: ACMG Guidelines, 2015. Collection method: clinical testing. Allele origin: germline.

ARUP Laboratories, Molecular Genetics and Genomics, ARUP Laboratories
Classification: Uncertain significance for Chédiak-Higashi syndrome. Last evaluated: 2022-09-13. Review status: criteria provided, single submitter. Criteria: ARUP Molecular Germline Variant Investigation Process 2021. Collection method: clinical testing. Allele origin: germline.

Genome Diagnostics Laboratory, The Hospital for Sick Children
Classification: Likely benign for Autoinflammatory syndrome. Last evaluated: 2021-03-25. Review status: criteria provided, single submitter. Criteria: ACMG Guidelines, 2015. Collection method: clinical testing. Allele origin: germline. Affected: yes.

Dubai Health Genomic Medicine Center, Dubai Health
Classification: Benign for Chédiak-Higashi syndrome. Last evaluated: 2020-03-30. Review status: criteria provided, single submitter. Criteria: ACMG Guidelines, 2015. Collection method: clinical testing. Allele origin: germline. Affected: yes.

Illumina Laboratory Services, Illumina
Classification: Likely benign for Chédiak-Higashi syndrome. Last evaluated: 2017-04-27. Review status: criteria provided, single submitter. Criteria: ICSL Variant Classification Criteria 13 December 2019. Collection method: clinical testing. Allele origin: germline.
Comment: This variant was observed as part of a predisposition screen in an ostensibly healthy population. A literature search was performed for the gene, cDNA change, and amino acid change (where applicable). Publications were found based on this search. The evidence from the literature, in combination with allele frequency data from public databases where available, was sufficient to determine this variant is unlikely to cause disease. Therefore, this variant is classified as likely benign.

Breakthrough Genomics
Classification: Likely benign. Review status: criteria provided, single submitter. Criteria: ACMG Guidelines, 2015. Collection method: not provided. Allele origin: germline. Inheritance: Autosomal recessive inheritance. Affected: yes.

PreventionGenetics, part of Exact Sciences
Classification: Likely benign. Review status: criteria provided, single submitter. Criteria: ACMG Guidelines, 2015. Collection method: clinical testing. Allele origin: germline.

Literature cited by the submitters: PubMed 25047945 (cited by Illumina Laboratory Services, Illumina).